The following is an entry in ClinVar:

NM_001164508.2(NEB):c.10211T>G (p.Val3404Gly)

Gene: NEB (nebulin; minus strand). Cytogenetic location: 2q23.3.
Variant type: single nucleotide variant.
Coding change: c.10211T>G on transcript NM_001164508.2 (MANE Select); coding-DNA position 10211, T replaced by G.
Protein change: p.Val3404Gly; replaces valine 3404 with glycine.
Molecular consequence: missense variant.
Genome position (GRCh38, 1-based): chr2:151,627,138, A>C on the plus strand (T>G on the coding strand, the complement: NEB is on the minus strand). VCF-style: chr2-151627138-A-C. GRCh37 (hg19) VCF-style: chr2-152483652-A-C.
Other names: c.10211T>G, p.Val3404Gly (NM_001164507.2, NM_001271208.2); c.9482T>G, p.Val3161Gly (NM_004543.5); short protein forms V3161G, V3404G.
Identifiers: ClinVar variation 1494964 (VCV001494964.8), dbSNP rs2154058359, ClinGen allele CA348792698.

ClinVar aggregate classification (germline): Uncertain significance (1 of 4 stars; one submission).

Conditions:
Nemaline myopathy 2 (NEM2). Also called: Nemaline myopathy 2, autosomal recessive. Identifiers: MedGen C1850569, MONDO:0009725, OMIM 256030.

Submission:

Labcorp Genetics (formerly Invitae), Labcorp
Classification: Uncertain significance for Nemaline myopathy 2. Last evaluated: 2024-04-25. Review status: criteria provided, single submitter. Criteria: Invitae Variant Classification Sherloc (09022015). Collection method: clinical testing. Allele origin: germline.
Comment: This sequence change replaces valine, which is neutral and non-polar, with glycine, which is neutral and non-polar, at codon 3404 of the NEB protein (p.Val3404Gly). This variant is not present in population databases (gnomAD no frequency). This variant has not been reported in the literature in individuals affected with NEB-related conditions. ClinVar contains an entry for this variant (Variation ID: 1494964). Experimental studies and prediction algorithms are not available or were not evaluated, and the functional significance of this variant is currently unknown. In summary, the available evidence is currently insufficient to determine the role of this variant in disease. Therefore, it has been classified as a Variant of Uncertain Significance.